The following is an entry in ClinVar:

ClinVar aggregate classification (germline): Uncertain significance (1 of 4 stars; one submission).

gnomAD v4.1: 21 of 1,570,838 alleles (0.0013%); highest among the groups gnomAD compares: Non-Finnish European, 0.0017%; no homozygotes.

Submission:

Labcorp Genetics (formerly Invitae), Labcorp
Classification: Uncertain significance. Last evaluated: 2025-10-28. Review status: criteria provided, single submitter. Criteria: Invitae Variant Classification Sherloc (09022015). Collection method: clinical testing. Allele origin: germline.
Comment: This sequence change replaces isoleucine, which is neutral and non-polar, with valine, which is neutral and non-polar, at codon 198 of the VPS13C protein (p.Ile198Val). This variant is present in population databases (rs369678424, gnomAD 0.003%). This variant has not been reported in the literature in individuals affected with VPS13C-related conditions. Invitae Evidence Modeling of protein sequence and biophysical properties (such as structural, functional, and spatial information, amino acid conservation, physicochemical variation, residue mobility, and thermodynamic stability) has been performed for this missense variant. However, the output from this modeling did not meet the statistical confidence thresholds required to predict the impact of this variant on VPS13C protein function. In summary, the available evidence is currently insufficient to determine the role of this variant in disease. Therefore, it has been classified as a Variant of Uncertain Significance.

NM_020821.3(VPS13C):c.592A>G (p.Ile198Val)

Gene: VPS13C (vacuolar protein sorting 13 homolog C; minus strand). Cytogenetic location: 15q22.2.
Variant type: single nucleotide variant.
Coding change: c.592A>G on transcript NM_020821.3 (MANE Select); coding-DNA position 592, A replaced by G.
Protein change: p.Ile198Val; replaces isoleucine 198 with valine.
Molecular consequence: missense variant.
Genome position (GRCh38, 1-based): chr15:62,023,443, T>C on the plus strand (A>G on the coding strand, the complement: VPS13C is on the minus strand). VCF-style: chr15-62023443-T-C. GRCh37 (hg19) VCF-style: chr15-62315642-T-C.
Other names: c.592A>G, p.Ile198Val (NM_001018088.3); c.463A>G, p.Ile155Val (NM_017684.5, NM_018080.4); short protein forms I155V, I198V.
Identifiers: ClinVar variation 4754749 (VCV004754749.1).